The following is an entry in ClinVar:

ClinVar aggregate classification (germline): Uncertain significance (1 of 4 stars; one submission).

Submission:

Labcorp Genetics (formerly Invitae), Labcorp
Classification: Uncertain significance. Last evaluated: 2022-09-19. Review status: criteria provided, single submitter. Criteria: Invitae Variant Classification Sherloc (09022015). Collection method: clinical testing. Allele origin: germline.
Comment: In summary, the available evidence is currently insufficient to determine the role of this variant in disease. Therefore, it has been classified as a Variant of Uncertain Significance. This variant has not been reported in the literature in individuals affected with PDZD7-related conditions. This variant is not present in population databases (gnomAD no frequency). This sequence change results in a frameshift in the PDZD7 gene (p.Arg932Glufs*109). While this is not anticipated to result in nonsense mediated decay, it is expected to disrupt the last 102 amino acid(s) of the PDZD7 protein and extend the protein by 6 additional amino acid residues.

NM_001195263.2(PDZD7):c.2794_2806del (p.Arg932fs)

Gene: PDZD7 (PDZ domain containing 7; minus strand). Cytogenetic location: 10q24.31.
Variant type: Deletion.
Coding change: c.2794_2806del on transcript NM_001195263.2 (MANE Select); coding-DNA positions 2794 to 2806, 13 bases deleted (CGTCGGGCTTATC).
Protein change: p.Arg932fs; shifts the reading frame from arginine 932.
Molecular consequence: frameshift variant.
Genome position (GRCh38, 1-based): chr10:101,008,763-101,008,775, GATAAGCCCGACG deleted on the plus strand (CGTCGGGCTTATC on the coding strand, the reverse complement: PDZD7 is on the minus strand); deleting any 13 consecutive bases within chr10:101,008,763-101,008,778 gives the same sequence; the c. name uses the placement nearest the transcript's 3' end. VCF-style (leftmost placement, unchanged base first): chr10-101008762-CGATAAGCCCGACG-C. GRCh37 (hg19) VCF-style: chr10-102768519-CGATAAGCCCGACG-C.
Other names: short protein forms R932fs.
Identifiers: ClinVar variation 2006666 (VCV002006666.4), dbSNP rs2492770339, ClinGen allele CA2580081112.